The following is an entry in ClinVar:

NM_001395460.1(TENM2):c.3375C>G (p.Ile1125Met)

Gene: TENM2 (teneurin transmembrane protein 2; plus strand). Cytogenetic location: 5q34.
Variant type: single nucleotide variant.
Coding change: c.3375C>G on transcript NM_001395460.1 (MANE Select); coding-DNA position 3375, C replaced by G.
Protein change: p.Ile1125Met; replaces isoleucine 1125 with methionine.
Molecular consequence: missense variant.
Genome position (GRCh38, 1-based): chr5:168,200,076, C>G. VCF-style: chr5-168200076-C-G. GRCh37 (hg19) VCF-style: chr5-167627081-C-G.
Other names: c.2679C>G, p.Ile893Met (NM_001080428.3); c.3348C>G, p.Ile1116Met (NM_001122679.2); c.2919C>G, p.Ile973Met (NM_001368145.1); c.2892C>G, p.Ile964Met (NM_001368146.1); short protein forms I1116M, I1125M, I893M, I964M, I973M.
Identifiers: ClinVar variation 4865440 (VCV004865440.1).
Genomic context (GRCh38, chr5:168,200,076, plus strand): 5'-CGAGGGGCATCTCTTCCAGAAGTCATTCCAGGCTTCTCCCAACCTGGCCTACACCTTCAT[C>G]TGGGACAAGACAGATGCGTATGGCCAAAGGGTGTATGGACTCTCAGATGCTGTTGGTATG-3'
Protein context (NP_001382389.1, residues 1115-1135): QASPNLAYTF[Ile1125Met]WDKTDAYGQR

ClinVar aggregate classification (germline): Uncertain significance (1 of 4 stars; one submission).

gnomAD v4.1: 1 of 1,613,874 alleles (0.000062%); highest among the groups gnomAD compares: South Asian, 0.0011%; no homozygotes.

Submission:

Ambry Genetics
Classification: Uncertain significance. Last evaluated: 2026-05-19. Review status: criteria provided, single submitter. Criteria: Ambry Variant Classification Scheme 2023. Collection method: clinical testing. Allele origin: germline.
Comment: The c.3348C>G (p.I1116M) alteration is located in exon 17 (coding exon 17) of the TENM2 gene. This alteration results from a C to G substitution at nucleotide position 3348, causing the isoleucine (I) at amino acid position 1116 to be replaced by a methionine (M). Based on data from gnomAD, the G allele has an overall frequency of <0.001% (1/248856) total alleles studied. The highest observed frequency was 0.003% (1/30560) of South Asian alleles. Based on insufficient or conflicting evidence, the clinical significance of this alteration remains unclear.